The following is an entry in ClinVar:

ClinVar aggregate classification (germline): Uncertain significance (1 of 4 stars; one submission).

Allele frequency attached by ClinVar (database versions not stated): gnomAD exomes 0.00002 and 0.00003; gnomAD 0.00003; TOPMed 0.00004; ExAC 0.00005; ESP Exome Variant Server 0.00008.

Submission:

Labcorp Genetics (formerly Invitae), Labcorp
Classification: Uncertain significance. Last evaluated: 2022-06-16. Review status: criteria provided, single submitter. Criteria: Invitae Variant Classification Sherloc (09022015). Collection method: clinical testing. Allele origin: germline.
Comment: This sequence change affects codon 939 of the SBF1 mRNA. It is a 'silent' change, meaning that it does not change the encoded amino acid sequence of the SBF1 protein. This variant is present in population databases (rs377404933, gnomAD 0.02%). This variant has not been reported in the literature in individuals affected with SBF1-related conditions. Algorithms developed to predict the effect of sequence changes on RNA splicing suggest that this variant may create or strengthen a splice site. In summary, the available evidence is currently insufficient to determine the role of this variant in disease. Therefore, it has been classified as a Variant of Uncertain Significance.

NM_002972.4(SBF1):c.2817G>A (p.Thr939=)

Gene: SBF1 (SET binding factor 1; minus strand). Cytogenetic location: 22q13.33.
Variant type: single nucleotide variant.
Coding change: c.2817G>A on transcript NM_002972.4 (MANE Select); coding-DNA position 2817, G replaced by A.
Protein change: p.Thr939=; no amino-acid change (threonine 939 retained).
Molecular consequence: synonymous variant.
Genome position (GRCh38, 1-based): chr22:50,461,545, C>T on the plus strand (G>A on the coding strand, the complement: SBF1 is on the minus strand). VCF-style: chr22-50461545-C-T. GRCh37 (hg19) VCF-style: chr22-50899974-C-T.
Other names: c.2820G>A, p.Thr940= (NM_001365819.1).
Identifiers: ClinVar variation 1421658 (VCV001421658.3), dbSNP rs377404933, ClinGen allele CA10317052.